The following is an entry in ClinVar:

NM_001039591.3(USP9X):c.641C>T (p.Pro214Leu)

Gene: USP9X (ubiquitin specific peptidase 9 X-linked; plus strand). Cytogenetic location: Xp11.4.
Variant type: single nucleotide variant.
Coding change: c.641C>T on transcript NM_001039591.3 (MANE Select); coding-DNA position 641, C replaced by T.
Protein change: p.Pro214Leu; replaces proline 214 with leucine.
Molecular consequence: missense variant.
Genome position (GRCh38, 1-based): chrX:41,137,009, C>T. VCF-style: chrX-41137009-C-T. GRCh37 (hg19) VCF-style: chrX-40996262-C-T.
Other names: c.641C>T, p.Pro214Leu (NM_001039590.3, NM_001410748.1, NM_001410749.1); short protein forms P214L.
Identifiers: ClinVar variation 3370835 (VCV003370835.1).

ClinVar aggregate classification (germline): Uncertain significance (1 of 4 stars; one submission).

Submission:

GeneDx
Classification: Uncertain significance. Last evaluated: 2024-03-10. Review status: criteria provided, single submitter. Criteria: GeneDx Variant Classification Process June 2021. Collection method: clinical testing. Allele origin: germline. Affected: yes.
Comment: Not observed at significant frequency in large population cohorts (gnomAD); In silico analysis supports that this missense variant has a deleterious effect on protein structure/function; Has not been previously published as pathogenic or benign to our knowledge